The following is an entry in ClinVar:

ClinVar aggregate classification (germline): Uncertain significance (1 of 4 stars; one submission).

Conditions:
Renal cell carcinoma. Identifiers: Orphanet 217071, MedGen C0007134, MeSH D002292, MONDO:0005086, HP:0005584.

Submission:

Labcorp Genetics (formerly Invitae), Labcorp
Classification: Uncertain significance for Renal cell carcinoma. Last evaluated: 2024-10-10. Review status: criteria provided, single submitter. Criteria: Invitae Variant Classification Sherloc (09022015). Collection method: clinical testing. Allele origin: germline.
Comment: This sequence change replaces aspartic acid, which is acidic and polar, with asparagine, which is neutral and polar, at codon 884 of the MET protein (p.Asp884Asn). This variant is not present in population databases (gnomAD no frequency). This variant has not been reported in the literature in individuals affected with MET-related conditions. An algorithm developed to predict the effect of missense changes on protein structure and function (PolyPhen-2) suggests that this variant is likely to be disruptive. In summary, the available evidence is currently insufficient to determine the role of this variant in disease. Therefore, it has been classified as a Variant of Uncertain Significance.

NM_000245.4(MET):c.2596G>A (p.Asp866Asn)

Gene: MET (MET proto-oncogene, receptor tyrosine kinase; plus strand). Cytogenetic location: 7q31.2.
Variant type: single nucleotide variant.
Coding change: c.2596G>A on transcript NM_000245.4 (MANE Select); coding-DNA position 2596, G replaced by A.
Protein change: p.Asp866Asn; replaces aspartic acid 866 with asparagine.
Molecular consequence: missense variant.
Genome position (GRCh38, 1-based): chr7:116,769,657, G>A. VCF-style: chr7-116769657-G-A. GRCh37 (hg19) VCF-style: chr7-116409711-G-A.
Other names: c.2650G>A, p.Asp884Asn (NM_001127500.3); c.2596G>A, p.Asp866Asn (NM_001324401.3); c.1306G>A, p.Asp436Asn (NM_001324402.2); short protein forms D436N, D866N, D884N.
Identifiers: ClinVar variation 3618542 (VCV003618542.2).